The following is an entry in ClinVar:

ClinVar aggregate classification (germline): Benign/Likely benign. Review status: criteria provided, multiple submitters, no conflicts (2 of 4 stars). 9 submissions from 9 submitters: Benign (6); Likely benign (1). 2 of the submissions do not count toward it. Last evaluated 2026-05-08.

Conditions:
Isolated thyroid-stimulating hormone deficiency. Also called: PITUITARY CRETINISM; THYROID-STIMULATING HORMONE DEFICIENCY; THYROTROPIN DEFICIENCY, ISOLATED; TSH DEFICIENCY; Thyroid-stimulating hormone, deficiency of; Hypothryoidism, congenital, nongoitrous 4. Identifiers: Orphanet 90674, MedGen C0271789, MONDO:0010139, OMIM 275100.

Allele frequency attached by ClinVar (database versions not stated): ExAC 0.97066; gnomAD exomes 0.97147; ESP Exome Variant Server 0.97524; gnomAD 0.97644 and 0.97659; TOPMed 0.98145; 1000 Genomes Project 0.98363; 1000 Genomes Project 30x 0.98454.
gnomAD v4.1: 1,560,790 of 1,613,386 alleles (97%); highest among the groups gnomAD compares: East Asian, 100%; 755,109 homozygotes.

Submissions (9):

Women's Health and Genetics/Laboratory Corporation of America, LabCorp
Classification: Benign. Last evaluated: 2026-05-08. Review status: criteria provided, single submitter. Criteria: LabCorp Variant Classification Summary - May 2015. Collection method: clinical testing. Allele origin: germline.

Labcorp Genetics (formerly Invitae), Labcorp
Classification: Benign. Last evaluated: 2026-02-04. Review status: criteria provided, single submitter. Criteria: Invitae Variant Classification Sherloc (09022015). Collection method: clinical testing. Allele origin: germline.

Blueprint Genetics
Classification: Likely benign. Last evaluated: 2024-11-26. Review status: criteria provided, single submitter. Criteria: ACMG Guidelines, 2015. Collection method: clinical testing. Allele origin: germline.

Genome-Nilou Lab
Classification: Benign for Isolated thyroid-stimulating hormone deficiency. Last evaluated: 2021-09-10. Review status: criteria provided, single submitter. Criteria: ACMG Guidelines, 2015. Collection method: clinical testing. Allele origin: germline. Affected: no.

GeneDx
Classification: Benign. Last evaluated: 2018-11-12. Review status: criteria provided, single submitter. Criteria: GeneDx Variant Classification Process June 2021. Collection method: clinical testing. Allele origin: germline. Affected: yes.
Comment: This variant is associated with the following publications: (PMID: 28515030, 27884173, 10411113, 20981092)

Breakthrough Genomics
Classification: Benign. Review status: criteria provided, single submitter. Criteria: ACMG Guidelines, 2015. Collection method: not provided. Allele origin: germline. Inheritance: Autosomal recessive inheritance. Affected: yes.

PreventionGenetics, part of Exact Sciences
Classification: Benign. Review status: criteria provided, single submitter. Criteria: ACMG Guidelines, 2015. Collection method: clinical testing. Allele origin: germline.

Clinical Genetics, Academic Medical Center
Classification: Benign. Review status: no assertion criteria provided. Collection method: clinical testing. Allele origin: germline. Affected: yes. Study: VKGL Data-share Consensus. Not counted in ClinVar's aggregate classification.

Diagnostic Laboratory, Department of Genetics, University Medical Center Groningen
Classification: Benign for Isolated thyroid-stimulating hormone deficiency. Review status: no assertion criteria provided. Collection method: clinical testing. Allele origin: germline. Affected: yes. Study: VKGL Data-share Consensus. Not counted in ClinVar's aggregate classification.

NM_000549.5(TSHB):c.40A>G (p.Thr14Ala)

Gene: TSHB (thyroid stimulating hormone subunit beta; plus strand). Cytogenetic location: 1p13.2.
Variant type: single nucleotide variant.
Coding change: c.40A>G on transcript NM_000549.5 (MANE Select); coding-DNA position 40, A replaced by G.
Protein change: p.Thr14Ala; replaces threonine 14 with alanine.
Molecular consequence: missense variant.
Genome position (GRCh38, 1-based): chr1:115,033,402, A>G. VCF-style: chr1-115033402-A-G. GRCh37 (hg19) VCF-style: chr1-115576023-A-G.
Other names: short protein forms T14A.
Identifiers: ClinVar variation 256640 (VCV000256640.17), dbSNP rs10776792, ClinGen allele CA1022517.